The following is an entry in ClinVar:

ClinVar aggregate classification (germline): Uncertain significance (1 of 4 stars; one submission).

Conditions:
Cardiovascular phenotype. Identifiers: MedGen CN230736.

Submission:

Ambry Genetics
Classification: Uncertain significance for Cardiovascular phenotype. Last evaluated: 2024-11-17. Review status: criteria provided, single submitter. Criteria: Ambry Variant Classification Scheme 2023. Collection method: clinical testing. Allele origin: germline.
Comment: The p.A339P variant (also known as c.1015G>C) is located in coding exon 11 of the CASQ2 gene. The alanine at codon 339 is replaced by proline, an amino acid with highly similar properties. This change occurs in the first base pair of coding exon 11. This amino acid position is conserved. In addition, this alteration is predicted to be deleterious by in silico analysis. Based on the available evidence, the clinical significance of this variant remains unclear.

NM_001232.4(CASQ2):c.1015G>C (p.Ala339Pro)

Gene: CASQ2 (calsequestrin 2; minus strand). Cytogenetic location: 1p13.1.
Variant type: single nucleotide variant.
Coding change: c.1015G>C on transcript NM_001232.4 (MANE Select); coding-DNA position 1015, G replaced by C.
Protein change: p.Ala339Pro; replaces alanine 339 with proline.
Molecular consequence: missense variant.
Genome position (GRCh38, 1-based): chr1:115,701,426, C>G on the plus strand (G>C on the coding strand, the complement: CASQ2 is on the minus strand). VCF-style: chr1-115701426-C-G. GRCh37 (hg19) VCF-style: chr1-116244047-C-G.
Other names: short protein forms A339P.
Identifiers: ClinVar variation 3485298 (VCV003485298.1).